The following is an entry in ClinVar:

NM_024105.4(ALG12):c.1265C>T (p.Pro422Leu)

Gene: ALG12 (ALG12 alpha-1,6-mannosyltransferase; minus strand). Cytogenetic location: 22q13.33.
Variant type: single nucleotide variant.
Coding change: c.1265C>T on transcript NM_024105.4 (MANE Select); coding-DNA position 1265, C replaced by T.
Protein change: p.Pro422Leu; replaces proline 422 with leucine.
Molecular consequence: missense variant.
Genome position (GRCh38, 1-based): chr22:49,904,040, G>A on the plus strand (C>T on the coding strand, the complement: ALG12 is on the minus strand). VCF-style: chr22-49904040-G-A. GRCh37 (hg19) VCF-style: chr22-50297688-G-A.
Other names: short protein forms P422L.
Identifiers: ClinVar variation 1392468 (VCV001392468.6), dbSNP rs759794733, ClinGen allele CA10300258.
Genomic context (GRCh38, chr22:49,904,040, plus strand): 5'-GCCAGGAGCCCAGGGGCCGCCTCCATGAGGATGTGTGTGTATGCCAGCATGCCTGTCCCC[G>A]GCTGCACATCCTCCCTCTTGTCGTACCTGTGGGATGAGAGCTGGTGGTCCTGCCCAGGGC-3'
Protein context (NP_077010.1, residues 412-432): WRYDKREDVQ[Pro422Leu]GTGMLAYTHI

ClinVar aggregate classification (germline): Uncertain significance. Review status: criteria provided, multiple submitters, no conflicts (2 of 4 stars). 2 submissions from 2 submitters: Uncertain significance (2). Last evaluated 2022-05-16.

Conditions:
ALG12-congenital disorder of glycosylation (CDG1G). Also called: ALG12-CDG; CDG Ig; Congenital disorder of glycosylation, type Ig. Identifiers: Orphanet 79324, MedGen C2931001, MONDO:0011783, OMIM 607143.

Allele frequency attached by ClinVar (database versions not stated): ExAC 0.00001; gnomAD 0.00001 and 0.00002; gnomAD exomes 0.00001; TOPMed 0.00002.
gnomAD v4.1: 17 of 1,614,150 alleles (0.0011%); highest among the groups gnomAD compares: East Asian, 0.0089%; no homozygotes.

Submissions (2):

Fulgent Genetics
Classification: Uncertain significance for ALG12-congenital disorder of glycosylation. Last evaluated: 2022-05-16. Review status: criteria provided, single submitter. Criteria: ACMG Guidelines, 2015. Collection method: clinical testing. Allele origin: unknown.

Labcorp Genetics (formerly Invitae), Labcorp
Classification: Uncertain significance for ALG12-congenital disorder of glycosylation. Last evaluated: 2021-08-31. Review status: criteria provided, single submitter. Criteria: Invitae Variant Classification Sherloc (09022015). Collection method: clinical testing. Allele origin: germline.
Comment: This sequence change replaces proline with leucine at codon 422 of the ALG12 protein (p.Pro422Leu). The proline residue is moderately conserved and there is a moderate physicochemical difference between proline and leucine. This variant is present in population databases (rs759794733, ExAC 0.006%). This variant has not been reported in the literature in individuals affected with ALG12-related conditions. Algorithms developed to predict the effect of missense changes on protein structure and function (SIFT, PolyPhen-2, Align-GVGD) all suggest that this variant is likely to be tolerated. In summary, the available evidence is currently insufficient to determine the role of this variant in disease. Therefore, it has been classified as a Variant of Uncertain Significance.